The following is an entry in ClinVar:

NM_001367624.2(ZNF469):c.10812G>A (p.Pro3604=)

Gene: ZNF469 (zinc finger protein 469; plus strand). Cytogenetic location: 16q24.2.
Variant type: single nucleotide variant.
Coding change: c.10812G>A on transcript NM_001367624.2 (MANE Select); coding-DNA position 10812, G replaced by A.
Protein change: p.Pro3604=; no amino-acid change (proline 3604 retained).
Molecular consequence: synonymous variant.
Genome position (GRCh38, 1-based): chr16:88,438,282, G>A. VCF-style: chr16-88438282-G-A. GRCh37 (hg19) VCF-style: chr16-88504690-G-A.
Other names: NM_001127464.1:c.10728G>A.
Identifiers: ClinVar variation 506976 (VCV000506976.35), dbSNP rs897455659, ClinGen allele CA286387294.

ClinVar aggregate classification (germline): Likely benign. Review status: criteria provided, multiple submitters, no conflicts (2 of 4 stars). 5 submissions from 5 submitters: Likely benign (5). Last evaluated 2025-10-15.

Conditions:
Cardiovascular phenotype. Identifiers: MedGen CN230736.

Allele frequency attached by ClinVar (database versions not stated): gnomAD exomes 0.00001 and 0.00003; TOPMed 0.00003; gnomAD 0.00004.
gnomAD v4.1: 44 of 1,548,056 alleles (0.0028%); highest among the groups gnomAD compares: African/African-American, 0.0068%; no homozygotes.

Submissions (5):

Labcorp Genetics (formerly Invitae), Labcorp
Classification: Likely benign. Last evaluated: 2025-10-15. Review status: criteria provided, single submitter. Criteria: Invitae Variant Classification Sherloc (09022015). Collection method: clinical testing. Allele origin: germline.

Blueprint Genetics
Classification: Likely benign. Last evaluated: 2024-11-25. Review status: criteria provided, single submitter. Criteria: ACMG Guidelines, 2015. Collection method: clinical testing. Allele origin: germline.

CeGaT Center for Human Genetics Tuebingen
Classification: Likely benign. Last evaluated: 2022-12-01. Review status: criteria provided, single submitter. Criteria: CeGaT Center For Human Genetics Tuebingen Variant Classification Criteria Version 2. Collection method: clinical testing. Allele origin: germline. Affected: yes. Observed: 1 variant allele.
Comment: ZNF469: BP4, BP7

GeneDx
Classification: Likely benign. Last evaluated: 2019-10-22. Review status: criteria provided, single submitter. Criteria: GeneDx Variant Classification Process June 2021. Collection method: clinical testing. Allele origin: germline. Affected: yes.

Ambry Genetics
Classification: Likely benign for Cardiovascular phenotype. Last evaluated: 2019-07-08. Review status: criteria provided, single submitter. Criteria: Ambry Variant Classification Scheme 2023. Collection method: clinical testing. Allele origin: germline.